The following is an entry in ClinVar:

NM_001378328.1(CELSR1):c.8484C>T (p.Ser2828=)

Gene: CELSR1 (cadherin EGF LAG seven-pass G-type receptor 1; minus strand). Cytogenetic location: 22q13.31.
Variant type: single nucleotide variant.
Coding change: c.8484C>T on transcript NM_001378328.1 (MANE Select); coding-DNA position 8484, C replaced by T.
Protein change: p.Ser2828=; no amino-acid change (serine 2828 retained).
Molecular consequence: synonymous variant.
Genome position (GRCh38, 1-based): chr22:46,365,301, G>A on the plus strand (C>T on the coding strand, the complement: CELSR1 is on the minus strand). VCF-style: chr22-46365301-G-A. GRCh37 (hg19) VCF-style: chr22-46761198-G-A.
Other names: c.8484C>T, p.Ser2828= (NM_014246.4).
Identifiers: ClinVar variation 4983643 (VCV004983643.1).

ClinVar aggregate classification (germline): Likely benign (1 of 4 stars; one submission).

Conditions:
CELSR1-related disorder. Also called: CELSR1-related condition.

gnomAD v4.1: 216 of 1,612,932 alleles (0.013%); highest among the groups gnomAD compares: Middle Eastern, 0.13%; 1 homozygote.

Submission:

PreventionGenetics, part of Exact Sciences
Classification: Likely benign for CELSR1-related condition. Last evaluated: 2026-02-24. Review status: criteria provided, single submitter. Criteria: ACMG Guidelines, 2015. Collection method: clinical testing. Allele origin: germline.
Comment: This variant is classified as likely benign based on ACMG/AMP sequence variant interpretation guidelines (Richards et al. 2015 PMID: 25741868, with internal and published modifications).